The following is an entry in ClinVar:

NM_001348323.3(TRIP12):c.1241G>A (p.Arg414Gln)

Gene: TRIP12 (thyroid hormone receptor interactor 12; minus strand). Cytogenetic location: 2q36.3.
Variant type: single nucleotide variant.
Coding change: c.1241G>A on transcript NM_001348323.3 (MANE Select); coding-DNA position 1241, G replaced by A.
Protein change: p.Arg414Gln; replaces arginine 414 with glutamine.
Molecular consequence: missense variant.
Genome position (GRCh38, 1-based): chr2:229,836,877, C>T on the plus strand (G>A on the coding strand, the complement: TRIP12 is on the minus strand). VCF-style: chr2-229836877-C-T. GRCh37 (hg19) VCF-style: chr2-230701593-C-T.
Other names: c.1241G>A, p.Arg414Gln (NM_001284214.2, NM_001348315.2, NM_001348319.1 and 13 more transcripts); c.1115G>A, p.Arg372Gln (NM_001284215.2, NM_001348316.2, NM_001348317.1 and 3 more transcripts); c.206G>A, p.Arg69Gln (NM_001284216.2); c.1154G>A, p.Arg385Gln (NM_001348332.1, NM_001348334.1); short protein forms R372Q, R385Q, R414Q, R69Q.
Identifiers: ClinVar variation 4084458 (VCV004084458.8).
Genomic context (GRCh38, chr2:229,836,877, plus strand): 5'-CGCATTTTAAAGCTAAGAAGTACCAATCTACCTGCAGCTCCTTGGGGAGCTTCATCTGTC[C>T]GAGCAGCTGAAGAATTTACTGCCTCCTGGTTGCTTTCAGGGTCTGCCATTTTCTCCTGTC-3'
Protein context (NP_001335252.1, residues 404-424): NQEAVNSSAA[Arg414Gln]TDEAPQGAAA

ClinVar aggregate classification (germline): Likely benign (1 of 4 stars; one submission).

gnomAD v4.1: 18 of 1,599,440 alleles (0.0011%); highest among the groups gnomAD compares: East Asian, 0.0046%; no homozygotes.

Submission:

CeGaT Center for Human Genetics Tuebingen
Classification: Likely benign. Last evaluated: 2025-07-01. Review status: criteria provided, single submitter. Criteria: CeGaT Center For Human Genetics Tuebingen Variant Classification Criteria Version 2. Collection method: clinical testing. Allele origin: germline. Affected: yes. Observed: 1 variant allele.
Comment: TRIP12: BP4